The following is an entry in ClinVar:

NM_000275.3(OCA2):c.1952-7T>G

Gene: OCA2 (OCA2 melanosomal transmembrane protein; minus strand). Cytogenetic location: 15q13.1.
Variant type: single nucleotide variant.
Coding change: c.1952-7T>G on transcript NM_000275.3 (MANE Select); 7 bases into the intron before coding-DNA position 1952, T replaced by G.
Molecular consequence: intron variant.
Genome position (GRCh38, 1-based): chr15:27,926,261, A>C on the plus strand (T>G on the coding strand, the complement: OCA2 is on the minus strand). VCF-style: chr15-27926261-A-C. GRCh37 (hg19) VCF-style: chr15-28171407-A-C.
Other names: c.1880-7T>G (NM_001300984.2).
Identifiers: ClinVar variation 1705737 (VCV001705737.1), dbSNP rs2506066441, ClinGen allele CA2580089210.

ClinVar aggregate classification (germline): Uncertain significance (1 of 4 stars; one submission).

Conditions:
Tyrosinase-positive oculocutaneous albinism (OCA2). Also called: ALBINISM II; Albinism, oculocutaneous, type II; Oculocutaneous albinism type 2. Identifiers: Orphanet 79432, MedGen C0268495, MONDO:0008746, OMIM 203200.

Submission:

3billion
Classification: Uncertain significance for Tyrosinase-positive oculocutaneous albinism. Last evaluated: 2022-09-01. Review status: criteria provided, single submitter. Criteria: ACMG Guidelines, 2015. Collection method: clinical testing. Allele origin: germline. Affected: yes. Observed: 1 heterozygote.
Comment: This invitron variant is not observed in the gnomAD v2.1.1 dataset. In silico tools predict the variant to alter splicing and produce an abnormal transcript (SpliceAI: 0.84). Therefore, this variant is classified as uncertain significance according to the recommendation of ACMG/AMP guideline.